The following is an entry in ClinVar:

ClinVar aggregate classification (germline): Uncertain significance (1 of 4 stars; one submission).

Conditions:
Neuropathy, hereditary sensory and autonomic, type 2A (HSAN2A). Also called: HSAN IIA; MORVAN DISEASE; NEUROPATHY, CONGENITAL SENSORY; NEUROPATHY, HEREDITARY SENSORY RADICULAR, AUTOSOMAL RECESSIVE; NEUROPATHY, HEREDITARY SENSORY, TYPE IIA; NEUROPATHY, PROGRESSIVE SENSORY, OF CHILDREN. Identifiers: Orphanet 970, MedGen C2752089, MONDO:0024309, OMIM 201300.
Generalized epilepsy with febrile seizures plus, type 7 (GEFSP7). Also called: GEFS+, TYPE 7. Identifiers: Orphanet 36387, MedGen C2751778, MONDO:0013470, OMIM 613863.

Allele frequency attached by ClinVar (database versions not stated): gnomAD 0.00001; TOPMed 0.00001.
gnomAD v4.1: 1 of 1,613,566 alleles (0.000062%); highest among the groups gnomAD compares: Non-Finnish European, 0.000085%; no homozygotes.

Submission:

Labcorp Genetics (formerly Invitae), Labcorp
Classification: Uncertain significance for Neuropathy, hereditary sensory and autonomic, type 2A; Generalized epilepsy with febrile seizures plus, type 7. Last evaluated: 2019-04-05. Review status: criteria provided, single submitter. Criteria: Invitae Variant Classification Sherloc (09022015). Collection method: clinical testing. Allele origin: germline.
Comment: This variant has not been reported in the literature in individuals with SCN9A-related conditions. Algorithms developed to predict the effect of missense changes on protein structure and function output the following: SIFT: "Tolerated"; PolyPhen-2: "Benign"; Align-GVGD: "Class C0". The asparagine amino acid residue is found in multiple mammalian species, suggesting that this missense change does not adversely affect protein function. These predictions have not been confirmed by published functional studies and their clinical significance is uncertain. In summary, the available evidence is currently insufficient to determine the role of this variant in disease. Therefore, it has been classified as a Variant of Uncertain Significance. This variant is not present in population databases (ExAC no frequency). This sequence change replaces lysine with asparagine at codon 483 of the SCN9A protein (p.Lys483Asn). The lysine residue is moderately conserved and there is a moderate physicochemical difference between lysine and asparagine.

NM_001365536.1(SCN9A):c.1449G>C (p.Lys483Asn)

Genes: SCN9A (sodium voltage-gated channel alpha subunit 9; minus strand), SCN1A-AS1 (SCN1A and SCN9A antisense RNA 1; plus strand). Cytogenetic location: 2q24.3.
Variant type: single nucleotide variant.
Coding change: c.1449G>C on transcript NM_001365536.1 (MANE Select); coding-DNA position 1449, G replaced by C.
Protein change: p.Lys483Asn; replaces lysine 483 with asparagine.
Molecular consequence: missense variant.
Genome position (GRCh38, 1-based): chr2:166,286,489, C>G on the plus strand (G>C on the coding strand, the complement: SCN9A is on the minus strand). VCF-style: chr2-166286489-C-G. GRCh37 (hg19) VCF-style: chr2-167142999-C-G.
Other names: c.1449G>C, p.Lys483Asn (NM_002977.4); short protein forms K483N.
Identifiers: ClinVar variation 862015 (VCV000862015.10), dbSNP rs201550725, ClinGen allele CA349084719.